The following is an entry in ClinVar:

NM_002291.3(LAMB1):c.4221C>T (p.Ser1407=)

Gene: LAMB1 (laminin subunit beta 1; minus strand). Cytogenetic location: 7q31.1.
Variant type: single nucleotide variant.
Coding change: c.4221C>T on transcript NM_002291.3 (MANE Select); coding-DNA position 4221, C replaced by T.
Protein change: p.Ser1407=; no amino-acid change (serine 1407 retained).
Molecular consequence: synonymous variant.
Genome position (GRCh38, 1-based): chr7:107,932,345, G>A on the plus strand (C>T on the coding strand, the complement: LAMB1 is on the minus strand). VCF-style: chr7-107932345-G-A. GRCh37 (hg19) VCF-style: chr7-107572790-G-A.
Identifiers: ClinVar variation 211359 (VCV000211359.37), dbSNP rs35082294, ClinGen allele CA206370.

ClinVar aggregate classification (germline): Benign/Likely benign. Review status: criteria provided, multiple submitters, no conflicts (2 of 4 stars). 6 submissions from 6 submitters: Benign (2); Likely benign (4). Last evaluated 2025-12-17.

Allele frequency attached by ClinVar (database versions not stated): gnomAD exomes 0.00046 and 0.00092; ExAC 0.00123; 1000 Genomes Project 0.00379; gnomAD 0.00381 and 0.00416; TOPMed 0.00425; 1000 Genomes Project 30x 0.00437; ESP Exome Variant Server 0.00446.
gnomAD v4.1: 1,263 of 1,614,166 alleles (0.078%); highest among the groups gnomAD compares: African/African-American, 1.3%; 7 homozygotes.

Submissions (6):

Labcorp Genetics (formerly Invitae), Labcorp
Classification: Benign. Last evaluated: 2025-12-17. Review status: criteria provided, single submitter. Criteria: Invitae Variant Classification Sherloc (09022015). Collection method: clinical testing. Allele origin: germline.

CeGaT Center for Human Genetics Tuebingen
Classification: Likely benign. Last evaluated: 2025-11-01. Review status: criteria provided, single submitter. Criteria: CeGaT Center For Human Genetics Tuebingen Variant Classification Criteria Version 2. Collection method: clinical testing. Allele origin: germline. Affected: yes. Observed: 2 variant alleles.
Comment: LAMB1: BP4, BP7, BS1

Blueprint Genetics
Classification: Likely benign. Last evaluated: 2024-11-27. Review status: criteria provided, single submitter. Criteria: ACMG Guidelines, 2015. Collection method: clinical testing. Allele origin: germline.

GeneDx
Classification: Benign. Last evaluated: 2019-01-04. Review status: criteria provided, single submitter. Criteria: GeneDx Variant Classification Process June 2021. Collection method: clinical testing. Allele origin: germline. Affected: yes.

Genetic Services Laboratory, University of Chicago
Classification: Likely benign. Last evaluated: 2015-07-20. Review status: criteria provided, single submitter. Criteria: ACMG Guidelines, 2015. Collection method: clinical testing. Allele origin: germline.

Breakthrough Genomics
Classification: Likely benign. Review status: criteria provided, single submitter. Criteria: ACMG Guidelines, 2015. Collection method: not provided. Allele origin: germline. Inheritance: Autosomal recessive inheritance. Affected: yes.